The following is an entry in ClinVar:

NM_024757.5(EHMT1):c.1946C>T (p.Ser649Leu)

Gene: EHMT1 (euchromatic histone lysine methyltransferase 1; plus strand). Cytogenetic location: 9q34.3.
Variant type: single nucleotide variant.
Coding change: c.1946C>T on transcript NM_024757.5 (MANE Select); coding-DNA position 1946, C replaced by T.
Protein change: p.Ser649Leu; replaces serine 649 with leucine.
Molecular consequence: missense variant.
Genome position (GRCh38, 1-based): chr9:137,776,772, C>T. VCF-style: chr9-137776772-C-T. GRCh37 (hg19) VCF-style: chr9-140671224-C-T.
Other names: p.Ser649Leu; c.1946C>T, p.Ser649Leu (NM_001145527.2); c.1853C>T, p.Ser618Leu (NM_001354259.2); c.1925C>T, p.Ser642Leu (NM_001354263.2); short protein forms S618L, S642L, S649L.
Identifiers: ClinVar variation 3777382 (VCV003777382.2).
Genomic context (GRCh38, chr9:137,776,772, plus strand): 5'-ACTGTGGGGAGGAGAGCTCCAAGGCCAAAGAGGTGACGATAGCTAAAGCAGACACCACCT[C>T]GACCGTGACACCAGTCCCCGGGCAGGAGAAGGGCTCGGCCCTGGAGGGCAGGGCCGACAC-3'
Protein context (NP_079033.4, residues 639-659): EVTIAKADTT[Ser649Leu]TVTPVPGQEK

ClinVar aggregate classification (germline): Conflicting classifications of pathogenicity. Review status: criteria provided, conflicting classifications (1 of 4 stars). 2 submissions from 2 submitters: Likely pathogenic (1); Uncertain significance (1). Last evaluated 2026-03-09.

Conditions:
Kleefstra syndrome 1 (KLEFS1). Identifiers: Orphanet 261494, MedGen C0795833, MONDO:0027407, OMIM 610253.

gnomAD v4.1: 9 of 1,613,964 alleles (0.00056%); highest among the groups gnomAD compares: Non-Finnish European, 0.00076%; no homozygotes.

Submissions (2):

Medical Genetics Clinic, University of Catania
Classification: Likely pathogenic for Kleefstra syndrome 1. Last evaluated: 2026-03-09. Review status: criteria provided, single submitter. Criteria: ACMG Guidelines, 2015. Collection method: clinical testing. Allele origin: de novo. Inheritance: Autosomal dominant inheritance. Affected: yes. Observed: 1 variant allele, 1 heterozygote.
Comment: The c.1946C>T p.(Ser649Leu) variant of the EHMT1 gene has not been reported in the literature to date; it presents the following characteristics: It is extremely rare. In silico computational software suggests the possibility of a deleterious effect on the structure/activity of the resulting protein (Polyphen2=0.755/1.00; SIFT=0.007/0.00; MutationTaster=1.00/1.00; CADD PHRED=24.4; MutationAssessor=2.02/5.00). It leads to the substitution of a serine with a leucine at a conserved aminoacid position (phyloP-Vertebrate=5.49/6.42; phyloP-Primate=0.56/0.65; PhastCons=1.00/1.00). In view of the above, the c.1946C>T p.(Ser649Leu) variant found here in heterozygosity in the EHMT1 gene has been classified as a likely pathogenic variant

GeneDx
Classification: Uncertain significance. Last evaluated: 2024-10-11. Review status: criteria provided, single submitter. Criteria: GeneDx Variant Classification Process June 2021. Collection method: clinical testing. Allele origin: germline. Affected: yes.
Comment: Not observed at significant frequency in large population cohorts (gnomAD); In silico analysis supports that this missense variant has a deleterious effect on protein structure/function; Has not been previously published as pathogenic or benign to our knowledge